The following is an entry in ClinVar:

NM_001023570.4(IQCB1):c.1769T>G (p.Leu590Ter)

Gene: IQCB1 (IQ motif containing B1; minus strand). Cytogenetic location: 3q13.33.
Variant type: single nucleotide variant.
Coding change: c.1769T>G on transcript NM_001023570.4 (MANE Select); coding-DNA position 1769, T replaced by G.
Protein change: p.Leu590Ter; replaces leucine 590 with a stop codon.
Molecular consequence: nonsense. On other transcripts: non-coding transcript variant (1).
Genome position (GRCh38, 1-based): chr3:121,770,373, A>C on the plus strand (T>G on the coding strand, the complement: IQCB1 is on the minus strand). VCF-style: chr3-121770373-A-C. GRCh37 (hg19) VCF-style: chr3-121489220-A-C.
Other names: c.1370T>G, p.Leu457Ter (NM_001023571.4); c.1769T>G, p.Leu590Ter (NM_001319107.2); short protein forms L590*, L457*.
Identifiers: ClinVar variation 1035408 (VCV001035408.6), dbSNP rs1947917811, ClinGen allele CA354108389.

ClinVar aggregate classification (germline): Uncertain significance (1 of 4 stars; one submission).

Conditions:
Nephronophthisis. Also called: Juvenile Nephronophthisis. Identifiers: Orphanet 655, MedGen C0687120, MONDO:0019005, HP:0000090.

Submission:

Labcorp Genetics (formerly Invitae), Labcorp
Classification: Uncertain significance for Nephronophthisis. Last evaluated: 2021-01-13. Review status: criteria provided, single submitter. Criteria: Invitae Variant Classification Sherloc (09022015). Collection method: clinical testing. Allele origin: germline.
Comment: In summary, the available evidence is currently insufficient to determine the role of this variant in disease. Therefore, it has been classified as a Variant of Uncertain Significance. Experimental studies and prediction algorithms are not available or were not evaluated, and the functional significance of this variant is currently unknown. This variant has not been reported in the literature in individuals with IQCB1-related conditions. This variant is not present in population databases (ExAC no frequency). This sequence change results in a premature translational stop signal in the IQCB1 gene (p.Leu590*). While this is not anticipated to result in nonsense mediated decay, it is expected to disrupt the last 9 amino acids of the IQCB1 protein.